The following is an entry in ClinVar:

NM_014314.4(RIGI):c.83A>C (p.Tyr28Ser)

Gene: RIGI (RNA sensor RIG-I; minus strand). Cytogenetic location: 9p21.1.
Variant type: single nucleotide variant.
Coding change: c.83A>C on transcript NM_014314.4 (MANE Select); coding-DNA position 83, A replaced by C.
Protein change: p.Tyr28Ser; replaces tyrosine 28 with serine.
Molecular consequence: missense variant. On other transcripts: 5 prime UTR variant (3).
Genome position (GRCh38, 1-based): chr9:32,526,084, T>G on the plus strand (A>C on the coding strand, the complement: RIGI is on the minus strand). VCF-style: chr9-32526084-T-G. GRCh37 (hg19) VCF-style: chr9-32526082-T-G.
Other names: c.83A>C, p.Tyr28Ser (NM_001385907.1, NM_001385909.1, NM_001385913.1); c.-372A>C (NM_001385910.1, NM_001385914.1); c.-379A>C (NM_001385912.1); short protein forms Y28S.
Identifiers: ClinVar variation 2078975 (VCV002078975.2), dbSNP rs144993038, ClinGen allele CA5020186.

ClinVar aggregate classification (germline): Uncertain significance (1 of 4 stars; one submission).

Allele frequency attached by ClinVar (database versions not stated): gnomAD exomes below 0.00001; ExAC 0.00001; gnomAD 0.00001; TOPMed 0.00002; ESP Exome Variant Server 0.00023.
gnomAD v4.1: 6 of 1,613,660 alleles (0.00037%); highest among the groups gnomAD compares: Non-Finnish European, 0.00042%; no homozygotes.

Submission:

Labcorp Genetics (formerly Invitae), Labcorp
Classification: Uncertain significance. Last evaluated: 2026-02-01. Review status: criteria provided, single submitter. Criteria: Invitae Variant Classification Sherloc (09022015). Collection method: clinical testing. Allele origin: germline.
Comment: This sequence change replaces tyrosine, which is neutral and polar, with serine, which is neutral and polar, at codon 28 of the DDX58 protein (p.Tyr28Ser). This variant is present in population databases (rs144993038, gnomAD 0.002%). This variant has not been reported in the literature in individuals affected with DDX58-related conditions. ClinVar contains an entry for this variant (Variation ID: 2078975). An algorithm developed to predict the effect of missense changes on protein structure and function (PolyPhen-2) suggests that this variant is likely to be tolerated. In summary, the available evidence is currently insufficient to determine the role of this variant in disease. Therefore, it has been classified as a Variant of Uncertain Significance.